The following is an entry in ClinVar:

NM_004064.5(CDKN1B):c.526G>A (p.Asp176Asn)

Gene: CDKN1B (cyclin dependent kinase inhibitor 1B; plus strand). Cytogenetic location: 12p13.1.
Variant type: single nucleotide variant.
Coding change: c.526G>A on transcript NM_004064.5 (MANE Select); coding-DNA position 526, G replaced by A.
Protein change: p.Asp176Asn; replaces aspartic acid 176 with asparagine.
Molecular consequence: missense variant.
Genome position (GRCh38, 1-based): chr12:12,718,875, G>A. VCF-style: chr12-12718875-G-A. GRCh37 (hg19) VCF-style: chr12-12871809-G-A.
Other names: c.526G>A (NM_004064.3); short protein forms D176N.
Identifiers: ClinVar variation 2680536 (VCV002680536.2), dbSNP rs2136357359, ClinGen allele CA383972930.

ClinVar aggregate classification (germline): Uncertain significance. Review status: criteria provided, multiple submitters, no conflicts (2 of 4 stars). 2 submissions from 2 submitters: Uncertain significance (2). Last evaluated 2025-06-06.

Conditions:
Multiple endocrine neoplasia type 4. Also called: MULTIPLE ENDOCRINE NEOPLASIA, TYPE IV. Identifiers: Orphanet 276152, MedGen C1970712, MONDO:0012552, OMIM 610755.
Hereditary cancer-predisposing syndrome. Also called: Tumor predisposition; Hereditary neoplastic syndrome; Neoplastic Syndromes, Hereditary; Hereditary Cancer Syndrome. Identifiers: Orphanet 140162, MedGen C0027672, MeSH D009386, MONDO:0015356.

Submissions (2):

Ambry Genetics
Classification: Uncertain significance for Hereditary cancer-predisposing syndrome. Last evaluated: 2025-06-06. Review status: criteria provided, single submitter. Criteria: Ambry Variant Classification Scheme 2023. Collection method: clinical testing. Allele origin: germline.
Comment: The p.D176N variant (also known as c.526G>A), located in coding exon 2 of the CDKN1B gene, results from a G to A substitution at nucleotide position 526. The aspartic acid at codon 176 is replaced by asparagine, an amino acid with highly similar properties. This amino acid position is conserved. In addition, this alteration is predicted to be tolerated by in silico analysis. Based on the available evidence, the clinical significance of this variant remains unclear.

Baylor Genetics
Classification: Uncertain significance for Multiple endocrine neoplasia type 4. Last evaluated: 2023-06-09. Review status: criteria provided, single submitter. Criteria: ACMG Guidelines, 2015. Collection method: clinical testing. Allele origin: unknown.